The following is an entry in ClinVar:

NM_025114.4(CEP290):c.457G>T (p.Glu153Ter)

Gene: CEP290 (centrosomal protein 290; minus strand). Cytogenetic location: 12q21.32.
Variant type: single nucleotide variant.
Coding change: c.457G>T on transcript NM_025114.4 (MANE Select); coding-DNA position 457, G replaced by T.
Protein change: p.Glu153Ter; replaces glutamic acid 153 with a stop codon.
Molecular consequence: nonsense.
Genome position (GRCh38, 1-based): chr12:88,131,203, C>A on the plus strand (G>T on the coding strand, the complement: CEP290 is on the minus strand). VCF-style: chr12-88131203-C-A. GRCh37 (hg19) VCF-style: chr12-88524980-C-A.
Other names: short protein forms E153*.
Identifiers: ClinVar variation 2000327 (VCV002000327.4), dbSNP rs2501544530, ClinGen allele CA385986666.

ClinVar aggregate classification (germline): Pathogenic (1 of 4 stars; one submission).

Conditions:
Joubert syndrome. Also called: CEREBELLOPARENCHYMAL DISORDER IV; JOUBERT-BOLTSHAUSER SYNDROME; Familial aplasia of the vermis. Identifiers: Orphanet 475, MedGen C5979921, MONDO:0018772.
Meckel-Gruber syndrome. Also called: DYSENCEPHALIA SPLANCHNOCYSTICA; GRUBER SYNDROME; Dysencephalia splachnocystica. Identifiers: Orphanet 564, MedGen C0265215, MONDO:0018921.
Nephronophthisis. Also called: Juvenile Nephronophthisis. Identifiers: Orphanet 655, MedGen C0687120, MONDO:0019005, HP:0000090.

Submission:

Labcorp Genetics (formerly Invitae), Labcorp
Classification: Pathogenic for Joubert syndrome; Meckel-Gruber syndrome; Nephronophthisis. Last evaluated: 2022-05-29. Review status: criteria provided, single submitter. Criteria: Invitae Variant Classification Sherloc (09022015). Collection method: clinical testing. Allele origin: germline.
Comment: This sequence change creates a premature translational stop signal (p.Glu153*) in the CEP290 gene. It is expected to result in an absent or disrupted protein product. Loss-of-function variants in CEP290 are known to be pathogenic (PMID: 16909394, 17345604, 20690115). For these reasons, this variant has been classified as Pathogenic. Algorithms developed to predict the effect of sequence changes on RNA splicing suggest that this variant may disrupt the consensus splice site. This variant has not been reported in the literature in individuals affected with CEP290-related conditions. This variant is not present in population databases (gnomAD no frequency).

Literature cited by the submitters: PubMed 16909394; PubMed 17345604; PubMed 20690115.